The following is an entry in ClinVar:

ClinVar aggregate classification (germline): Pathogenic/Likely pathogenic. Review status: criteria provided, multiple submitters, no conflicts (2 of 4 stars). 18 submissions from 18 submitters: Pathogenic (14); Likely pathogenic (1). 3 of the submissions do not count toward it. Last evaluated 2025-11-11.

Conditions:
Aarskog syndrome (AAS). Also called: FGD1-Related Faciogenital Dysplasia (Aarskog-Scott Syndrome); FGDY; Aarskog Scott syndrome; Aarskog disease; Aarskog-Scott syndrome, X-linked. Identifiers: Orphanet 915, MedGen C0175701, MONDO:0010589, OMIM 305400.
FGD1-related disorder. Also called: FGD1-related condition; FGD1-related disorders.

Submissions (18):

Dasa
Classification: Pathogenic. Last evaluated: 2025-11-11. Review status: criteria provided, single submitter. Criteria: DASA Assertion Criteria. Collection method: clinical testing. Allele origin: germline.
Comment: NM_004463.3(FGD1):c.527dup (p.Leu177Thrfs*40) introduces a premature termination codon predicted to result in loss of normal protein function. Loss-of-function is an established mechanism of disease for this gene. This variant has been reported in individuals with related phenotype. The variant is present at low frequency in population datasets. Based on the available data, this variant is classified as pathogenic.

PreventionGenetics, part of Exact Sciences
Classification: Pathogenic for FGD1-related condition. Last evaluated: 2025-10-31. Review status: criteria provided, single submitter. Criteria: ACMG Guidelines, 2015. Collection method: clinical testing. Allele origin: germline.
Comment: The FGD1 c.527dupC variant is predicted to result in a frameshift and premature protein termination (p.Leu177Thrfs*40). This variant has been reported in the hemizygous state in multiple individuals with Aarskog-Scott syndrome (referred to as 528insC in Orrico et al. 2004. PubMed ID: 14560308; Table S1, White et al. 2017. PubMed ID: 29276006; Bayat et al. 2022. PubMed ID: 35388608; Turgut et al. 2025. PubMed ID: 40170577). This variant is reported in 1.5% of alleles in individuals of European (Finnish) descent in gnomAD; however, this variant is located in a region of poor sequence quality making population frequency estimates unreliable. Frameshift variants in FGD1 are expected to be pathogenic. This variant is interpreted as pathogenic.

Labcorp Genetics (formerly Invitae), Labcorp
Classification: Pathogenic. Last evaluated: 2024-05-17. Review status: criteria provided, single submitter. Criteria: Invitae Variant Classification Sherloc (09022015). Collection method: clinical testing. Allele origin: germline.
Comment: This sequence change creates a premature translational stop signal (p.Leu177Thrfs*40) in the FGD1 gene. It is expected to result in an absent or disrupted protein product. Loss-of-function variants in FGD1 are known to be pathogenic (PMID: 21739585, 23211637, 25046119, 26029706). The frequency data for this variant in the population databases is considered unreliable, as metrics indicate poor data quality at this position in the gnomAD database. This premature translational stop signal has been observed in individual(s) with FGD1-related conditions (PMID: 14560308, 29276006). ClinVar contains an entry for this variant (Variation ID: 196389). For these reasons, this variant has been classified as Pathogenic.

Broad Center for Mendelian Genomics, Broad Institute of MIT and Harvard
Classification: Pathogenic for Aarskog syndrome. Last evaluated: 2024-03-13. Review status: criteria provided, single submitter. Criteria: ACMG Guidelines, 2015. Collection method: curation. Allele origin: germline. Inheritance: X-linked inheritance.
Comment: The p.Leu177ThrfsTer40 variant in FGD1 has been previously reported in 4 unrelated individuals with Aarskog-Scott syndrome (PMID: 14560308, PMID: 29276006, PMID: 35388608, ClinVar Accession SCV002058304.1) and segregated with disease in 3 affected male relatives from one family, 2 of whom were monozygotic twins (PMID: 14560308). The number of reported affected individuals with this variant is slightly greater than expected compared to non-affected individuals with this variant. Data from large population studies is insufficient to assess the frequency of this variant. This variant has also been reported in ClinVar (Variation ID: 196389) and has been interpreted as pathogenic or likely pathogenic by multiple submitters. This variant is predicted to cause a frameshift, which alters the protein’s amino acid sequence beginning at position 177 and leads to a premature termination codon 40 amino acids downstream. This alteration is then predicted to lead to a truncated or absent protein. Loss of function of the FGD1 gene is an established disease mechanism in X-linked recessive Aarskog-Scott syndrome. In summary, this variant meets criteria to be classified as pathogenic for X-linked recessive Aarskog-Scott syndrome. ACMG/AMP Criteria applied: PVS1, PS4_Moderate, PP1 (Richards 2015).

Revvity Omics, Revvity
Classification: Pathogenic for Aarskog syndrome. Last evaluated: 2023-11-07. Review status: criteria provided, single submitter. Criteria: ACMG Guidelines, 2015. Collection method: clinical testing. Allele origin: germline.

New York Genome Center
Classification: Pathogenic for Aarskog syndrome. Last evaluated: 2023-10-16. Review status: criteria provided, single submitter. Criteria: NYGC Assertion Criteria 2020. Collection method: clinical testing. Allele origin: de novo. Affected: yes. Observed: 1 variant allele, 1 hemizygote, 1 mosaic individual.
Comment: The c.527dup variant in FGD1 has previously been reported in individuals with Aarskog–Scott syndrome and found to be co-segregating with disease in affected individuals [PMID: 14560308, 29276006, 35388608]. The c.527dup has been deposited in ClinVar [ClinVar ID: 196389] as Likely Pathogenic/Pathogenic by multiple times with affected status provided by some submitters. The c.527dup variant is observed in 1 allele in population databases with no hemizygote (gnomAD v3.1.2 andTOPMed Freeze 8), however, the allele frequency data for c.527dup variant is unreliable as metrics indicate poor data quality due to low sequence complexity around this position. The c.527dup variant in FGD1 is located in exon 3 of this 18-exon gene, predicted to cause a shift in the open reading frame and incorporate a premature termination codon (p.(Leu177ThrfsTer40)), and is expected to result in loss-of-function via nonsense mediated decay. Based on available evidence, this apparently de novo high level mosaic hemizygous c.527dup, p.(Leu177ThrfsTer40) variant identified in FGD1 is classified as Pathogenic.

GeneDx
Classification: Pathogenic. Last evaluated: 2022-09-13. Review status: criteria provided, single submitter. Criteria: GeneDx Variant Classification Process June 2021. Collection method: clinical testing. Allele origin: germline. Affected: yes.
Comment: Reported in multiple individuals with clinical features of Aarskog-Scott syndrome from two unrelated families (Orrico et al., 2004); Frameshift variant predicted to result in protein truncation or nonsense mediated decay in a gene for which loss-of-function is a known mechanism of disease; Not observed in large population cohorts (gnomAD); This variant is associated with the following publications: (PMID: 14560308)

Clinical Genetics Laboratory, Skane University Hospital Lund
Classification: Pathogenic. Last evaluated: 2022-07-13. Review status: criteria provided, single submitter. Criteria: ACMG Guidelines, 2015. Collection method: clinical testing. Allele origin: germline. Affected: yes.

3billion
Classification: Pathogenic for Aarskog syndrome. Last evaluated: 2022-01-03. Review status: criteria provided, single submitter. Criteria: ACMG Guidelines, 2015. Collection method: clinical testing. Allele origin: germline. Affected: yes. Observed: 1 hemizygote.
Comment: Frameshift: predicted to result in a loss or disruption of normal protein function through nonsense-mediated decay (NMD) or protein truncation. Multiple pathogenic variants are reported downstream of the variant (PVS1_VS). The variant has been reported at least twice as pathogenic/likely pathogenic with clinical assertions and evidence for the classification (ClinVar ID: VCV000196389, PMID:14560308). It is observed at an extremely low frequency in the gnomAD v2.1.1 dataset (total allele frequency: 0.002315, PM2_M). Therefore, this variant is classified as pathogenic according to the recommendation of ACMG/AMP guideline.

Greenwood Genetic Center Diagnostic Laboratories, Greenwood Genetic Center
Classification: Pathogenic. Last evaluated: 2021-01-26. Review status: criteria provided, single submitter. Criteria: ACMG Guidelines, 2015. Collection method: clinical testing. Allele origin: germline. Affected: yes.
Comment: PVS1, PM2, PS4_Moderate

Blueprint Genetics
Classification: Pathogenic for FGD1-related disorders. Last evaluated: 2019-12-05. Review status: criteria provided, single submitter. Criteria: ACMG Guidelines, 2015. Collection method: clinical testing. Allele origin: germline. Affected: yes. Observed: 2 variant alleles.

Lupski Lab, Baylor-Hopkins CMG, Baylor College of Medicine
Classification: Likely pathogenic for Aarskog syndrome. Last evaluated: 2017-06-01. Review status: criteria provided, single submitter. Criteria: White et al. (Am J Hum Genet. 2018). Collection method: research. Allele origin: unknown. Affected: yes.

Center for Human Genetics, Inc
Classification: Pathogenic for Aarskog syndrome. Last evaluated: 2016-11-01. Review status: criteria provided, single submitter. Criteria: ACMG Guidelines, 2015. Collection method: clinical testing. Allele origin: germline. Affected: yes.

Eurofins Ntd Llc (ga)
Classification: Pathogenic. Last evaluated: 2014-06-05. Review status: criteria provided, single submitter. Criteria: EGL Classification Definitions. Collection method: clinical testing. Allele origin: germline. Observed: 4 variant alleles, 4 hemizygotes.

Clinical Genetics Service, Universitary Hospital 12 de Octubre
Classification: Pathogenic for Aarskog syndrome. Review status: criteria provided, single submitter. Criteria: ACMG Guidelines, 2015. Collection method: clinical testing. Allele origin: germline. Affected: yes.

Istanbul Faculty of Medicine, Istanbul University
Classification: Pathogenic for Aarskog syndrome. Last evaluated: 2024-10-02. Review status: no assertion criteria provided. Collection method: clinical testing. Allele origin: germline. Affected: yes. Observed: 1 variant allele. Not counted in ClinVar's aggregate classification.
Comment: PM3, PVS1

OMIM
Classification: Pathogenic for AARSKOG-SCOTT SYNDROME. Last evaluated: 2004-01-01. Review status: no assertion criteria provided. Collection method: literature only. Allele origin: germline. Not counted in ClinVar's aggregate classification.

Genomic Medicine Center of Excellence, King Faisal Specialist Hospital and Research Centre
Classification: Uncertain significance for Aarskog syndrome. Last evaluated: 2025-09-10. Review status: flagged submission. Criteria: ACMG Guidelines, 2015. Collection method: clinical testing. Allele origin: germline. Not counted in ClinVar's aggregate classification.
ClinVar note: Reason: Outlier claim with insufficient supporting evidence

Literature cited by the submitters: PubMed 21739585 (cited by Labcorp Genetics (formerly Invitae), Labcorp); PubMed 23211637 (cited by Labcorp Genetics (formerly Invitae), Labcorp); PubMed 25046119 (cited by Labcorp Genetics (formerly Invitae), Labcorp); PubMed 26029706 (cited by Labcorp Genetics (formerly Invitae), Labcorp); PubMed 14560308 (cited by 5 submitters); PubMed 29276006 (cited by Labcorp Genetics (formerly Invitae), Labcorp and New York Genome Center); PubMed 39033378 (cited by Broad Center for Mendelian Genomics, Broad Institute of MIT and Harvard); PubMed 35388608 (cited by New York Genome Center).

NM_004463.3(FGD1):c.527dup (p.Leu177fs)

Gene: FGD1 (FYVE, RhoGEF and PH domain containing 1; minus strand). Cytogenetic location: Xp11.22.
Variant type: Duplication.
Coding change: c.527dup on transcript NM_004463.3 (MANE Select); coding-DNA position 527, one base duplicated (C; older notation c.527dupC).
Protein change: p.Leu177fs; shifts the reading frame from leucine 177.
Molecular consequence: frameshift variant.
Genome position (GRCh38, 1-based): chrX:54,470,715, G duplicated on the plus strand (C on the coding strand, the reverse complement: FGD1 is on the minus strand); the first of 8 consecutive G bases (chrX:54,470,715-54,470,722); duplicating any one gives the same sequence. VCF-style (leftmost placement, unchanged base first): chrX-54470714-T-TG. GRCh37 (hg19) VCF-style: chrX-54497147-T-TG.
Other names: NM_004463.3(FGD1):c.527dup; p.Leu177fs; c.527dupC (NM_004463.2); short protein forms L177fs.
Identifiers: ClinVar variation 196389 (VCV000196389.29), dbSNP rs756586058, ClinGen allele CA202352.